The following is an entry in ClinVar:

NM_002430.3(MN1):c.2813G>A (p.Gly938Asp)

Gene: MN1 (MN1 proto-oncogene, transcriptional regulator; minus strand). Cytogenetic location: 22q12.1.
Variant type: single nucleotide variant.
Coding change: c.2813G>A on transcript NM_002430.3 (MANE Select); coding-DNA position 2813, G replaced by A.
Protein change: p.Gly938Asp; replaces glycine 938 with aspartic acid.
Molecular consequence: missense variant.
Genome position (GRCh38, 1-based): chr22:27,797,731, C>T on the plus strand (G>A on the coding strand, the complement: MN1 is on the minus strand). VCF-style: chr22-27797731-C-T. GRCh37 (hg19) VCF-style: chr22-28193719-C-T.
Other names: short protein forms G938D.
Identifiers: ClinVar variation 2662543 (VCV002662543.1), dbSNP rs2146316004, ClinGen allele CA411044426.
Genomic context (GRCh38, chr22:27,797,731, plus strand): 5'-AAGGTGCCAGGGCTCACGTGACCACTGTCCCTTTTTCTGCGACCCCGTCCCCGGCCGCCG[C>T]CCCCGGAGACCGGCTTGCCGTCATTCCCCGACGTGGATTCCAGGGTGTAGTTGGGGGAGA-3'
Protein context (NP_002421.3, residues 928-948): SGNDGKPVSG[Gly938Asp]GGRGRGRRKR

ClinVar aggregate classification (germline): Uncertain significance (1 of 4 stars; one submission).

Submission:

GeneDx
Classification: Uncertain significance. Last evaluated: 2023-04-19. Review status: criteria provided, single submitter. Criteria: GeneDx Variant Classification Process June 2021. Collection method: clinical testing. Allele origin: germline. Affected: yes.
Comment: Not observed at significant frequency in large population cohorts (gnomAD); In silico analysis supports that this missense variant has a deleterious effect on protein structure/function; Has not been previously published as pathogenic or benign to our knowledge